The following is an entry in ClinVar:

ClinVar aggregate classification (germline): Uncertain significance. Review status: criteria provided, multiple submitters, no conflicts (2 of 4 stars). 3 submissions from 3 submitters: Uncertain significance (3). Last evaluated 2026-01-02.

Conditions:
Cardiovascular phenotype. Identifiers: MedGen CN230736.
Long QT syndrome 12 (LQT12). Identifiers: Orphanet 101016, Orphanet 768, MedGen C2751830, MONDO:0013062, OMIM 612955.
Long QT syndrome (LQTS). Identifiers: MedGen C0023976, MeSH D008133, MONDO:0002442. Disease mechanism: loss of function. Inheritance: Various modes of inheritance.

Allele frequency attached by ClinVar (database versions not stated): gnomAD 0.00001; TOPMed 0.00001.
gnomAD v4.1: 8 of 1,613,330 alleles (0.0005%); highest among the groups gnomAD compares: East Asian, 0.0022%; no homozygotes.

Submissions (3):

Labcorp Genetics (formerly Invitae), Labcorp
Classification: Uncertain significance for Long QT syndrome. Last evaluated: 2026-01-02. Review status: criteria provided, single submitter. Criteria: Invitae Variant Classification Sherloc (09022015). Collection method: clinical testing. Allele origin: germline.
Comment: This sequence change replaces valine, which is neutral and non-polar, with isoleucine, which is neutral and non-polar, at codon 172 of the SNTA1 protein (p.Val172Ile). This variant is present in population databases (rs775580363, gnomAD 0.005%). This variant has not been reported in the literature in individuals affected with SNTA1-related conditions. ClinVar contains an entry for this variant (Variation ID: 338218). Invitae Evidence Modeling of protein sequence and biophysical properties (such as structural, functional, and spatial information, amino acid conservation, physicochemical variation, residue mobility, and thermodynamic stability) indicates that this missense variant is not expected to disrupt SNTA1 protein function with a negative predictive value of 80%. In summary, the available evidence is currently insufficient to determine the role of this variant in disease. Therefore, it has been classified as a Variant of Uncertain Significance.

Ambry Genetics
Classification: Uncertain significance for Cardiovascular phenotype. Last evaluated: 2025-05-26. Review status: criteria provided, single submitter. Criteria: Ambry Variant Classification Scheme 2023. Collection method: clinical testing. Allele origin: germline.
Comment: The p.V172I variant (also known as c.514G>A), located in coding exon 3 of the SNTA1 gene, results from a G to A substitution at nucleotide position 514. The valine at codon 172 is replaced by isoleucine, an amino acid with highly similar properties. This amino acid position is not well conserved in available vertebrate species. In addition, this alteration is predicted to be tolerated by in silico analysis. The evidence for this gene-disease relationship is limited; therefore, the clinical significance of this alteration is unclear.

Illumina Laboratory Services, Illumina
Classification: Uncertain significance for Long QT syndrome 12. Last evaluated: 2018-01-12. Review status: criteria provided, single submitter. Criteria: ICSL Variant Classification Criteria 13 December 2019. Collection method: clinical testing. Allele origin: germline.

NM_003098.3(SNTA1):c.514G>A (p.Val172Ile)

Gene: SNTA1 (syntrophin alpha 1; minus strand). Cytogenetic location: 20q11.21.
Variant type: single nucleotide variant.
Coding change: c.514G>A on transcript NM_003098.3 (MANE Select); coding-DNA position 514, G replaced by A.
Protein change: p.Val172Ile; replaces valine 172 with isoleucine.
Molecular consequence: missense variant.
Genome position (GRCh38, 1-based): chr20:33,417,906, C>T on the plus strand (G>A on the coding strand, the complement: SNTA1 is on the minus strand). VCF-style: chr20-33417906-C-T. GRCh37 (hg19) VCF-style: chr20-32005712-C-T.
Other names: short protein forms V172I.
Identifiers: ClinVar variation 338218 (VCV000338218.16), dbSNP rs775580363, ClinGen allele CA9817200.